The following is an entry in ClinVar:

ClinVar aggregate classification (germline): Conflicting classifications of pathogenicity. Review status: criteria provided, conflicting classifications (1 of 4 stars). 4 submissions from 4 submitters: Uncertain significance (3); Likely benign (1). Last evaluated 2026-07-01.

Conditions:
Fanconi anemia complementation group P. Also called: SLX4-Related Fanconi Anemia. Identifiers: Orphanet 84, MedGen C3469542, MONDO:0013499, OMIM 613951.
Fanconi anemia (FA). Also called: Fanconi's anemia. Identifiers: Orphanet 84, MedGen C0015625, MeSH D005199, MONDO:0019391.

Allele frequency attached by ClinVar (database versions not stated): gnomAD 0.00001 and 0.00002; TOPMed 0.00012; ExAC 0.00020; gnomAD exomes 0.00021.

Submissions (4):

CeGaT Center for Human Genetics Tuebingen
Classification: Likely benign. Last evaluated: 2026-07-01. Review status: criteria provided, single submitter. Criteria: CeGaT Center For Human Genetics Tuebingen Variant Classification Criteria Version 2. Collection method: clinical testing. Allele origin: germline. Affected: yes. Observed: 1 variant allele.
Comment: SLX4: BP4

Fulgent Genetics
Classification: Uncertain significance for Fanconi anemia complementation group P. Last evaluated: 2024-05-29. Review status: criteria provided, single submitter. Criteria: ACMG Guidelines, 2015. Collection method: clinical testing. Allele origin: germline.

Labcorp Genetics (formerly Invitae), Labcorp
Classification: Uncertain significance for Fanconi anemia. Last evaluated: 2022-10-17. Review status: criteria provided, single submitter. Criteria: Invitae Variant Classification Sherloc (09022015). Collection method: clinical testing. Allele origin: germline.
Comment: This sequence change replaces glutamine, which is neutral and polar, with histidine, which is basic and polar, at codon 719 of the SLX4 protein (p.Gln719His). This variant is present in population databases (rs768316000, gnomAD 0.2%). This variant has not been reported in the literature in individuals affected with SLX4-related conditions. ClinVar contains an entry for this variant (Variation ID: 407934). Algorithms developed to predict the effect of missense changes on protein structure and function are either unavailable or do not agree on the potential impact of this missense change (SIFT: "Deleterious"; PolyPhen-2: "Probably Damaging"; Align-GVGD: "Class C0"). Algorithms developed to predict the effect of sequence changes on RNA splicing suggest that this variant may disrupt the consensus splice site. In summary, the available evidence is currently insufficient to determine the role of this variant in disease. Therefore, it has been classified as a Variant of Uncertain Significance.

Baylor Genetics
Classification: Uncertain significance for Fanconi anemia complementation group P. Last evaluated: 2018-10-23. Review status: criteria provided, single submitter. Criteria: ACMG Guidelines, 2015. Collection method: clinical testing. Allele origin: maternal. Affected: yes.
Comment: This variant was determined to be of uncertain significance according to ACMG Guidelines, 2015 [PMID:25741868].

NM_032444.4(SLX4):c.2157G>T (p.Gln719His)

Gene: SLX4 (SLX4 structure-specific endonuclease subunit; minus strand). Cytogenetic location: 16p13.3.
Variant type: single nucleotide variant.
Coding change: c.2157G>T on transcript NM_032444.4 (MANE Select); coding-DNA position 2157, G replaced by T.
Protein change: p.Gln719His; replaces glutamine 719 with histidine.
Molecular consequence: missense variant.
Genome position (GRCh38, 1-based): chr16:3,594,456, C>A on the plus strand (G>T on the coding strand, the complement: SLX4 is on the minus strand). VCF-style: chr16-3594456-C-A. GRCh37 (hg19) VCF-style: chr16-3644457-C-A.
Other names: c.2157G>T (LRG_503t1); short protein forms Q719H.
Identifiers: ClinVar variation 407934 (VCV000407934.8), dbSNP rs768316000, ClinGen allele CA7866275.